The following is an entry in ClinVar:

NM_001123385.2(BCOR):c.3872C>T (p.Pro1291Leu)

Gene: BCOR (BCL6 corepressor; minus strand). Cytogenetic location: Xp11.4.
Variant type: single nucleotide variant.
Coding change: c.3872C>T on transcript NM_001123385.2 (MANE Select); coding-DNA position 3872, C replaced by T.
Protein change: p.Pro1291Leu; replaces proline 1291 with leucine.
Molecular consequence: missense variant.
Genome position (GRCh38, 1-based): chrX:40,063,047, G>A on the plus strand (C>T on the coding strand, the complement: BCOR is on the minus strand). VCF-style: chrX-40063047-G-A. GRCh37 (hg19) VCF-style: chrX-39922300-G-A.
Other names: c.3770C>T, p.Pro1257Leu (NM_001123383.2, NM_017745.6); c.3716C>T, p.Pro1239Leu (NM_001123384.2); short protein forms P1291L, P1239L, P1257L.
Identifiers: ClinVar variation 1489365 (VCV001489365.6), dbSNP rs371205644, ClinGen allele CA10386540.
Genomic context (GRCh38, chrX:40,063,047, plus strand): 5'-CAGCTTGGCTGAGCCTGCTTTTTGCCGCCTGCACTGGTGGATGAAAGACTCTTCATGGGC[G>A]GAGAGCCGGAGAACACAGGCAAGCCTAAATACGGAGGGGGTGACGGGGTGGCGGGCGGAT-3'
Protein context (NP_001116857.1, residues 1281-1301): EQGLPVFSGS[Pro1291Leu]PMKSLSSTSA

ClinVar aggregate classification (germline): Uncertain significance (1 of 4 stars; one submission).

Conditions:
Oculofaciocardiodental syndrome (MCOPS2). Identifiers: Orphanet 2712, MedGen C1846265, MONDO:0010261, OMIM 300166.

Allele frequency attached by ClinVar (database versions not stated): gnomAD exomes 0.00001; TOPMed 0.00006; ExAC 0.00007; gnomAD 0.00007; ESP Exome Variant Server 0.00019.
gnomAD v4.1: 19 of 1,163,892 alleles (0.0016%); highest among the groups gnomAD compares: African/African-American, 0.018%; no homozygotes.

Submission:

Labcorp Genetics (formerly Invitae), Labcorp
Classification: Uncertain significance for Oculofaciocardiodental syndrome. Last evaluated: 2022-06-27. Review status: criteria provided, single submitter. Criteria: Invitae Variant Classification Sherloc (09022015). Collection method: clinical testing. Allele origin: germline.
Comment: This sequence change replaces proline, which is neutral and non-polar, with leucine, which is neutral and non-polar, at codon 1257 of the BCOR protein (p.Pro1257Leu). The frequency data for this variant in the population databases is considered unreliable, as metrics indicate poor data quality at this position in the gnomAD database. This variant has not been reported in the literature in individuals affected with BCOR-related conditions. Algorithms developed to predict the effect of missense changes on protein structure and function output the following: SIFT: "Deleterious"; PolyPhen-2: "Benign"; Align-GVGD: "Class C65". The leucine amino acid residue is found in multiple mammalian species, which suggests that this missense change does not adversely affect protein function. In summary, the available evidence is currently insufficient to determine the role of this variant in disease. Therefore, it has been classified as a Variant of Uncertain Significance.